The following is an entry in ClinVar:

NM_001127222.2(CACNA1A):c.981C>G (p.Ser327Arg)

Genes: CACNA1A (calcium voltage-gated channel subunit alpha1 A; minus strand), LOC126862866 (MED14-independent group 3 enhancer GRCh37_chr19:13445719-13446918; plus strand). Cytogenetic location: 19p13.13.
Variant type: single nucleotide variant.
Coding change: c.981C>G on transcript NM_001127222.2 (MANE Select); coding-DNA position 981, C replaced by G.
Protein change: p.Ser327Arg; replaces serine 327 with arginine.
Molecular consequence: missense variant.
Genome position (GRCh38, 1-based): chr19:13,335,907, G>C on the plus strand (C>G on the coding strand, the complement: CACNA1A is on the minus strand). VCF-style: chr19-13335907-G-C. GRCh37 (hg19) VCF-style: chr19-13446721-G-C.
Other names: c.981C>G, p.Ser327Arg (NM_000068.4, NM_001127221.2, NM_001174080.2 and 1 more transcripts); short protein forms S327R.
Identifiers: ClinVar variation 2921617 (VCV002921617.3), dbSNP rs2513056180, ClinGen allele CA404346887.

ClinVar aggregate classification (germline): Uncertain significance (1 of 4 stars; one submission).

Conditions:
Developmental and epileptic encephalopathy, 42 (DEE42A). Also called: DEVELOPMENTAL AND EPILEPTIC ENCEPHALOPATHY 42A; EPILEPTIC ENCEPHALOPATHY, EARLY INFANTILE, 42A; Epileptic encephalopathy, early infantile, 42. Identifiers: MedGen C4310716, MONDO:0014917, OMIM 617106.
Episodic ataxia type 2 (EA2). Also called: ACETAZOLAMIDE-RESPONSIVE HEREDITARY PAROXYSMAL CEREBELLAR ATAXIA; ATAXIA, EPISODIC, WITH NYSTAGMUS; ATAXIA, FAMILIAL PAROXYSMAL; CEREBELLAR ATAXIA, PAROXYSMAL, ACETAZOLAMIDE-RESPONSIVE; CEREBELLOPATHY, HEREDITARY PAROXYSMAL; EPISODIC ATAXIA, NYSTAGMUS-ASSOCIATED. Identifiers: Orphanet 97, MedGen C1720416, MONDO:0007163, OMIM 108500.

Submission:

Labcorp Genetics (formerly Invitae), Labcorp
Classification: Uncertain significance for Developmental and epileptic encephalopathy, 42; Episodic ataxia type 2. Last evaluated: 2023-12-21. Review status: criteria provided, single submitter. Criteria: Invitae Variant Classification Sherloc (09022015). Collection method: clinical testing. Allele origin: germline.
Comment: This sequence change replaces serine, which is neutral and polar, with arginine, which is basic and polar, at codon 327 of the CACNA1A protein (p.Ser327Arg). This variant is not present in population databases (gnomAD no frequency). This variant has not been reported in the literature in individuals affected with CACNA1A-related conditions. An algorithm developed to predict the effect of missense changes on protein structure and function (PolyPhen-2) suggests that this variant is likely to be disruptive. In summary, the available evidence is currently insufficient to determine the role of this variant in disease. Therefore, it has been classified as a Variant of Uncertain Significance.